The following is an entry in ClinVar:

NM_001371623.1(TCOF1):c.4151C>T (p.Ser1384Phe)

Gene: TCOF1 (treacle ribosome biogenesis factor 1; plus strand). Cytogenetic location: 5q32.
Variant type: single nucleotide variant.
Coding change: c.4151C>T on transcript NM_001371623.1 (MANE Select); coding-DNA position 4151, C replaced by T.
Protein change: p.Ser1384Phe; replaces serine 1384 with phenylalanine.
Molecular consequence: missense variant.
Genome position (GRCh38, 1-based): chr5:150,396,648, C>T. VCF-style: chr5-150396648-C-T. GRCh37 (hg19) VCF-style: chr5-149776211-C-T.
Other names: c.3917C>T, p.Ser1306Phe (NM_000356.4); c.4148C>T, p.Ser1383Phe (NM_001135243.2); c.4037C>T, p.Ser1346Phe (NM_001135244.2); c.3920C>T, p.Ser1307Phe (NM_001135245.2); c.4034C>T, p.Ser1345Phe (NM_001195141.2); short protein forms S1306F, S1345F, S1383F, S1307F, S1346F, S1384F.
Identifiers: ClinVar variation 3630780 (VCV003630780.2).

ClinVar aggregate classification (germline): Uncertain significance (1 of 4 stars; one submission).

Conditions:
Treacher Collins syndrome 1 (TCS1). Also called: TCOF1-Related Treacher Collins Syndrome. Identifiers: Orphanet 861, MedGen CN315775, MONDO:0007944, OMIM 154500.

gnomAD v4.1: 41 of 1,607,558 alleles (0.0026%); highest among the groups gnomAD compares: African/African-American, 0.004%; no homozygotes.

Submission:

Labcorp Genetics (formerly Invitae), Labcorp
Classification: Uncertain significance for Treacher Collins syndrome 1. Last evaluated: 2024-02-06. Review status: criteria provided, single submitter. Criteria: Invitae Variant Classification Sherloc (09022015). Collection method: clinical testing. Allele origin: germline.
Comment: This sequence change replaces serine, which is neutral and polar, with phenylalanine, which is neutral and non-polar, at codon 1383 of the TCOF1 protein (p.Ser1383Phe). The frequency data for this variant in the population databases is considered unreliable, as metrics indicate poor data quality at this position in the gnomAD database. This variant has not been reported in the literature in individuals affected with TCOF1-related conditions. An algorithm developed to predict the effect of missense changes on protein structure and function (PolyPhen-2) suggests that this variant is likely to be disruptive. In summary, the available evidence is currently insufficient to determine the role of this variant in disease. Therefore, it has been classified as a Variant of Uncertain Significance.